The following is an entry in ClinVar:

ClinVar aggregate classification (germline): Pathogenic/Likely pathogenic. Review status: criteria provided, multiple submitters, no conflicts (2 of 4 stars). 3 submissions from 3 submitters: Pathogenic (1); Likely pathogenic (2). Last evaluated 2025-01-29.

Conditions:
NF1-related disorder. Also called: NF1-related condition. Identifiers: MedGen CN379171.
Neurofibromatosis, type 1 (NF1). Also called: NEUROFIBROMATOSIS, TYPE I, SOMATIC; VON RECKLINGHAUSEN DISEASE; Peripheral type neurofibromatosis; Neurofibromatosis, type I. Identifiers: Orphanet 636, MedGen C0027831, MONDO:0018975, OMIM 162200. Disease mechanism: loss of function.

Submissions (3):

PreventionGenetics, part of Exact Sciences
Classification: Likely pathogenic for NF1-related condition. Last evaluated: 2025-01-29. Review status: criteria provided, single submitter. Criteria: ACMG Guidelines, 2015. Collection method: clinical testing. Allele origin: germline.
Comment: The NF1 c.7181T>G variant is predicted to result in the amino acid substitution p.Leu2394Arg. This variant is known as c.7118T>G (p.Leu2373Arg) on the clinically relevant transcript NM_000267.3. It has been reported in individuals with clinical features consistent with a diagnosis of neurofibromatosis type 1and has been shown to segregate with disease (Table S1, Bonatti et al. 2017. PubMed ID: 28961165; Abdel-Aziz et al. 2021. PubMed ID: 34080803; Martorana et al. 2023. PubMed ID: 37751797). This variant has not been reported in a large population database (gnomAD), indicating it is rare, and has been reported in ClinVar as likely pathogenic. This variant is interpreted as likely pathogenic.

Labcorp Genetics (formerly Invitae), Labcorp
Classification: Pathogenic for Neurofibromatosis, type 1. Last evaluated: 2024-02-18. Review status: criteria provided, single submitter. Criteria: Invitae Variant Classification Sherloc (09022015). Collection method: clinical testing. Allele origin: germline.
Comment: This sequence change replaces leucine, which is neutral and non-polar, with arginine, which is basic and polar, at codon 2373 of the NF1 protein (p.Leu2373Arg). This variant is not present in population databases (gnomAD no frequency). This missense change has been observed in individual(s) with neurofibromatosis type 1 (PMID: 28961165, 34080803). ClinVar contains an entry for this variant (Variation ID: 431685). Advanced modeling of protein sequence and biophysical properties (such as structural, functional, and spatial information, amino acid conservation, physicochemical variation, residue mobility, and thermodynamic stability) performed at Invitae indicates that this missense variant is expected to disrupt NF1 protein function with a positive predictive value of 95%. For these reasons, this variant has been classified as Pathogenic.

Medical Genetics, University of Parma
Classification: Likely pathogenic for Neurofibromatosis, type 1. Last evaluated: 2022-08-17. Review status: criteria provided, single submitter. Criteria: ACMG Guidelines, 2015. Collection method: clinical testing. Allele origin: germline. Inheritance: Autosomal dominant inheritance. Affected: yes.

Literature cited by the submitters: PubMed 28961165 (cited by Labcorp Genetics (formerly Invitae), Labcorp); PubMed 34080803 (cited by Labcorp Genetics (formerly Invitae), Labcorp).

NM_001042492.3(NF1):c.7181T>G (p.Leu2394Arg)

Gene: NF1 (neurofibromin 1; plus strand). Cytogenetic location: 17q11.2.
Variant type: single nucleotide variant.
Coding change: c.7181T>G on transcript NM_001042492.3 (MANE Select); coding-DNA position 7181, T replaced by G.
Protein change: p.Leu2394Arg; replaces leucine 2394 with arginine.
Molecular consequence: missense variant.
Genome position (GRCh38, 1-based): chr17:31,343,127, T>G. VCF-style: chr17-31343127-T-G. GRCh37 (hg19) VCF-style: chr17-29670145-T-G.
Other names: c.7118T>G, p.Leu2373Arg (NM_000267.4); short protein forms L2373R, L2394R.
Identifiers: ClinVar variation 431685 (VCV000431685.5), dbSNP rs1135402899, ClinGen allele CA399015773.